The following is an entry in ClinVar:

NM_003119.4(SPG7):c.466_468dup (p.Asn156_Ala157insAsn)

Gene: SPG7 (SPG7 matrix AAA peptidase subunit, paraplegin; plus strand). Cytogenetic location: 16q24.3.
Variant type: Duplication.
Coding change: c.466_468dup on transcript NM_003119.4 (MANE Select); coding-DNA positions 466 to 468, 3 bases duplicated (AAT; older notation c.466_468dupAAT).
Protein change: p.Asn156_Ala157insAsn.
Molecular consequence: inframe insertion.
Genome position (GRCh38, 1-based): chr16:89,524,095-89,524,097, AAT duplicated. VCF-style (leftmost placement, unchanged base first): chr16-89524094-G-GAAT. GRCh37 (hg19) VCF-style: chr16-89590502-G-GAAT.
Other names: c.466_468dup, p.Asn156_Ala157insAsn (NM_001363850.1, NM_199367.3).
Identifiers: ClinVar variation 2888373 (VCV002888373.3), dbSNP rs760075114, ClinGen allele CA8243649.

ClinVar aggregate classification (germline): Uncertain significance (1 of 4 stars; one submission).

Conditions:
Hereditary spastic paraplegia 7 (SPG7). Also called: SPG7-related neurologic disorder; Spastic paraplegia 7; Hereditary spastic paraplegia Paraplegin type; Autosomal recessive spastic paraplegia type 7; SPASTIC PARAPLEGIA 7, AUTOSOMAL RECESSIVE, WITH OR WITHOUT CEREBELLAR ATAXIA. Identifiers: Orphanet 99013, MedGen C1846564, MONDO:0011803, OMIM 607259.

Allele frequency attached by ClinVar (database versions not stated): TOPMed below 0.00001; ExAC 0.00001; gnomAD exomes 0.00001.

Submission:

Labcorp Genetics (formerly Invitae), Labcorp
Classification: Uncertain significance for Hereditary spastic paraplegia 7. Last evaluated: 2023-10-03. Review status: criteria provided, single submitter. Criteria: Invitae Variant Classification Sherloc (09022015). Collection method: clinical testing. Allele origin: germline.
Comment: This variant, c.466_468dup, results in the insertion of 1 amino acid(s) of the SPG7 protein (p.Asn156dup), but otherwise preserves the integrity of the reading frame. This variant is present in population databases (rs760075114, gnomAD 0.003%). This variant has not been reported in the literature in individuals affected with SPG7-related conditions. In summary, the available evidence is currently insufficient to determine the role of this variant in disease. Therefore, it has been classified as a Variant of Uncertain Significance.